The following is an entry in ClinVar:

NM_024079.5(ALG8):c.869A>G (p.Asn290Ser)

Gene: ALG8 (ALG8 alpha-1,3-glucosyltransferase; minus strand). Cytogenetic location: 11q14.1.
Variant type: single nucleotide variant.
Coding change: c.869A>G on transcript NM_024079.5 (MANE Select); coding-DNA position 869, A replaced by G.
Protein change: p.Asn290Ser; replaces asparagine 290 with serine.
Molecular consequence: missense variant.
Genome position (GRCh38, 1-based): chr11:78,112,679, T>C on the plus strand (A>G on the coding strand, the complement: ALG8 is on the minus strand). VCF-style: chr11-78112679-T-C. GRCh37 (hg19) VCF-style: chr11-77823725-T-C.
Other names: c.869A>G, p.Asn290Ser (NM_001007027.3); short protein forms N290S.
Identifiers: ClinVar variation 701919 (VCV000701919.33), dbSNP rs61995923, ClinGen allele CA6203313.

ClinVar aggregate classification (germline): Conflicting classifications of pathogenicity. Review status: criteria provided, conflicting classifications (1 of 4 stars). 6 submissions from 6 submitters: Uncertain significance (2); Likely benign (3). 1 of the submissions does not count toward it. Last evaluated 2025-04-13.

Conditions:
ALG8-related disorder.
ALG8 congenital disorder of glycosylation. Also called: CONGENITAL DISORDER OF GLYCOSYLATION, TYPE Ih; CDG Ih; ALG8-CDG. Identifiers: Orphanet 79325, MedGen C2931002, MONDO:0011969, OMIM 608104.
Polycystic liver disease 3 with or without kidney cysts. Identifiers: MedGen C4693472, MONDO:0054743, OMIM 617874.
Inborn genetic diseases. Identifiers: MedGen C0950123, MeSH D030342.

Allele frequency attached by ClinVar (database versions not stated): gnomAD exomes 0.00004 and 0.00016; ExAC 0.00019; 1000 Genomes Project 0.00040; 1000 Genomes Project 30x 0.00047; gnomAD 0.00047 and 0.00050; TOPMed 0.00053; ESP Exome Variant Server 0.00085.
gnomAD v4.1: 144 of 1,614,042 alleles (0.0089%); highest among the groups gnomAD compares: African/African-American, 0.16%; no homozygotes.

Submissions (6):

Ambry Genetics
Classification: Likely benign for Inborn genetic diseases. Last evaluated: 2025-04-13. Review status: criteria provided, single submitter. Criteria: Ambry Variant Classification Scheme 2023. Collection method: clinical testing. Allele origin: germline.

Labcorp Genetics (formerly Invitae), Labcorp
Classification: Likely benign for ALG8 congenital disorder of glycosylation. Last evaluated: 2025-04-01. Review status: criteria provided, single submitter. Criteria: Invitae Variant Classification Sherloc (09022015). Collection method: clinical testing. Allele origin: germline.

GeneDx
Classification: Uncertain significance. Last evaluated: 2024-01-29. Review status: criteria provided, single submitter. Criteria: GeneDx Variant Classification Process June 2021. Collection method: clinical testing. Allele origin: germline. Affected: yes.
Comment: In silico analysis supports that this missense variant has a deleterious effect on protein structure/function; Has not been previously published as pathogenic or benign to our knowledge

Clinical Genomics Laboratory, Stanford Medicine
Classification: Uncertain significance for ALG8 congenital disorder of glycosylation; Polycystic liver disease 3 with or without kidney cysts. Last evaluated: 2023-09-28. Review status: criteria provided, single submitter. Criteria: ACMG Guidelines, 2015. Collection method: clinical testing. Allele origin: germline. Observed: 1 variant allele, 1 heterozygote.

CeGaT Center for Human Genetics Tuebingen
Classification: Likely benign. Last evaluated: 2023-03-01. Review status: criteria provided, single submitter. Criteria: CeGaT Center For Human Genetics Tuebingen Variant Classification Criteria Version 2. Collection method: clinical testing. Allele origin: germline. Affected: yes. Observed: 1 variant allele.
Comment: ALG8: BP4

PreventionGenetics, part of Exact Sciences
Classification: Likely benign for ALG8-related condition. Last evaluated: 2023-03-04. Review status: no assertion criteria provided. Collection method: clinical testing. Allele origin: germline. Not counted in ClinVar's aggregate classification.
Comment: This variant is classified as likely benign based on ACMG/AMP sequence variant interpretation guidelines (Richards et al. 2015 PMID: 25741868, with internal and published modifications).